The following is an entry in ClinVar:

ClinVar aggregate classification (germline): Benign. Review status: criteria provided, single submitter (1 of 4 stars). 2 submissions from 2 submitters: Benign (1). 1 of the submissions does not count toward it. Last evaluated 2026-01-08.

Conditions:
MLPH-related disorder. Also called: MLPH-related condition.

Allele frequency attached by ClinVar (database versions not stated): 1000 Genomes Project 30x 0.01405; 1000 Genomes Project 0.01418.
gnomAD v4.1: 4,887 of 1,601,928 alleles (0.31%); highest among the groups gnomAD compares: South Asian, 5.2%; 198 homozygotes.

Submissions (2):

Labcorp Genetics (formerly Invitae), Labcorp
Classification: Benign. Last evaluated: 2026-01-08. Review status: criteria provided, single submitter. Criteria: Invitae Variant Classification Sherloc (09022015). Collection method: clinical testing. Allele origin: germline.

PreventionGenetics, part of Exact Sciences
Classification: Benign for MLPH-related condition. Last evaluated: 2019-09-10. Review status: no assertion criteria provided. Collection method: clinical testing. Allele origin: germline. Not counted in ClinVar's aggregate classification.
Comment: This variant is classified as benign based on ACMG/AMP sequence variant interpretation guidelines (Richards et al. 2015 PMID: 25741868, with internal and published modifications).

NM_024101.7(MLPH):c.1497G>C (p.Thr499=)

Gene: MLPH (melanophilin; plus strand). Cytogenetic location: 2q37.3.
Variant type: single nucleotide variant.
Coding change: c.1497G>C on transcript NM_024101.7 (MANE Select); coding-DNA position 1497, G replaced by C.
Protein change: p.Thr499=; no amino-acid change (threonine 499 retained).
Molecular consequence: synonymous variant. On other transcripts: non-coding transcript variant (1).
Genome position (GRCh38, 1-based): chr2:237,542,617, G>C. VCF-style: chr2-237542617-G-C. GRCh37 (hg19) VCF-style: chr2-238451260-G-C.
Other names: c.1413G>C, p.Thr471= (NM_001042467.3); c.1137G>C, p.Thr379= (NM_001281473.2); c.1068G>C, p.Thr356= (NM_001281474.2); c.1497G>C (NM_024101.6).
Identifiers: ClinVar variation 2044144 (VCV002044144.6), dbSNP rs553682286, ClinGen allele CA2190628.